The following is an entry in ClinVar:

ClinVar aggregate classification (germline): Uncertain significance. Review status: criteria provided, multiple submitters, no conflicts (2 of 4 stars). 2 submissions from 2 submitters: Uncertain significance (2). Last evaluated 2025-01-24.

Conditions:
Inborn genetic diseases. Identifiers: MedGen C0950123, MeSH D030342.

Allele frequency attached by ClinVar (database versions not stated): gnomAD exomes below 0.00001.
gnomAD v4.1: 1 of 1,614,188 alleles (0.000062%); highest among the groups gnomAD compares: Middle Eastern, 0.017%; no homozygotes.

Submissions (2):

Ambry Genetics
Classification: Uncertain significance for Inborn genetic diseases. Last evaluated: 2025-01-24. Review status: criteria provided, single submitter. Criteria: Ambry Variant Classification Scheme 2023. Collection method: clinical testing. Allele origin: germline.

Labcorp Genetics (formerly Invitae), Labcorp
Classification: Uncertain significance. Last evaluated: 2021-09-01. Review status: criteria provided, single submitter. Criteria: Invitae Variant Classification Sherloc (09022015). Collection method: clinical testing. Allele origin: germline.
Comment: This sequence change replaces glutamine with leucine at codon 169 of the IFT27 protein (p.Gln169Leu). The glutamine residue is moderately conserved and there is a moderate physicochemical difference between glutamine and leucine. This variant is not present in population databases (ExAC no frequency). This variant has not been reported in the literature in individuals affected with IFT27-related conditions. Advanced modeling of protein sequence and biophysical properties (such as structural, functional, and spatial information, amino acid conservation, physicochemical variation, residue mobility, and thermodynamic stability) performed at Invitae indicates that this missense variant is not expected to disrupt IFT27 protein function. In summary, the available evidence is currently insufficient to determine the role of this variant in disease. Therefore, it has been classified as a Variant of Uncertain Significance.

NM_001177701.3(IFT27):c.509A>T (p.Gln170Leu)

Genes: CACNG2-DT (CACNG2 divergent transcript; plus strand), IFT27 (intraflagellar transport 27; minus strand). Cytogenetic location: 22q12.3.
Variant type: single nucleotide variant.
Coding change: c.509A>T on transcript NM_001177701.3 (MANE Select); coding-DNA position 509, A replaced by T.
Protein change: p.Gln170Leu; replaces glutamine 170 with leucine.
Molecular consequence: missense variant.
Genome position (GRCh38, 1-based): chr22:36,758,363, T>A on the plus strand (A>T on the coding strand, the complement: IFT27 is on the minus strand). VCF-style: chr22-36758363-T-A. GRCh37 (hg19) VCF-style: chr22-37154407-T-A.
Other names: c.509A>T, p.Gln170Leu (NM_001363003.2); c.506A>T, p.Gln169Leu (NM_006860.5); c.509A>T (NM_001177701.1); short protein forms Q169L, Q170L.
Identifiers: ClinVar variation 1055587 (VCV001055587.7), dbSNP rs1334268060, ClinGen allele CA411378753.
Genomic context (GRCh38, chr22:36,758,363, plus strand): 5'-CCAGCTCGTCATGCCAGGGCCCGGAAAACCTCCACCTTCTCCCGGTACAGCTGGTGGAAC[T>A]GCTTGGCAAGGCAGTGGAAAGGGGCTTCGAAGTTTTCCATCTCTTTCTGGAAAGACAGTT-3'
Protein context (NP_001171172.1, residues 160-180): FEAPFHCLAK[Gln170Leu]FHQLYREKVE